The following is an entry in ClinVar:

ClinVar aggregate classification (germline): Uncertain significance (1 of 4 stars; one submission).

Conditions:
Hereditary nonpolyposis colorectal neoplasms. Identifiers: MedGen C0009405, MeSH D003123.

gnomAD v4.1: 1 of 1,613,960 alleles (0.000062%); highest among the groups gnomAD compares: South Asian, 0.0011%; no homozygotes.

Submission:

Labcorp Genetics (formerly Invitae), Labcorp
Classification: Uncertain significance for Hereditary nonpolyposis colorectal neoplasms. Last evaluated: 2025-09-20. Review status: criteria provided, single submitter. Criteria: Invitae Variant Classification Sherloc (09022015). Collection method: clinical testing. Allele origin: germline.
Comment: This sequence change replaces aspartic acid, which is acidic and polar, with histidine, which is basic and polar, at codon 606 of the PMS2 protein (p.Asp606His). This variant is not present in population databases (gnomAD no frequency). This variant has not been reported in the literature in individuals affected with PMS2-related conditions. Invitae Evidence Modeling incorporating data from in vitro experimental studies (internal data) indicates that this missense variant is not expected to disrupt PMS2 function with a negative predictive value of 95%. In summary, the available evidence is currently insufficient to determine the role of this variant in disease. Therefore, it has been classified as a Variant of Uncertain Significance.

NM_000535.7(PMS2):c.1816G>C (p.Asp606His)

Gene: PMS2 (PMS1 homolog 2, mismatch repair system component; minus strand). Cytogenetic location: 7p22.1.
Variant type: single nucleotide variant.
Coding change: c.1816G>C on transcript NM_000535.7 (MANE Select); coding-DNA position 1816, G replaced by C.
Protein change: p.Asp606His; replaces aspartic acid 606 with histidine.
Molecular consequence: missense variant. On other transcripts: non-coding transcript variant (1), intron variant (1).
Genome position (GRCh38, 1-based): chr7:5,986,949, C>G on the plus strand (G>C on the coding strand, the complement: PMS2 is on the minus strand). VCF-style: chr7-5986949-C-G. GRCh37 (hg19) VCF-style: chr7-6026580-C-G.
Other names: c.1411G>C, p.Asp471His (NM_001322003.2, NM_001322004.2, NM_001322005.2 and 16 more transcripts); c.1660G>C, p.Asp554His (NM_001322006.2, NM_001406870.1); c.1498G>C, p.Asp500His (NM_001322007.2, NM_001322008.2, NM_001406876.1 and 2 more transcripts); c.1255G>C, p.Asp419His (NM_001322010.2, NM_001406906.1, NM_001406907.1); c.883G>C, p.Asp295His (NM_001322011.2, NM_001322012.2); c.1243G>C, p.Asp415His (NM_001322013.2, NM_001406909.1); c.1816G>C, p.Asp606His (NM_001322014.2, NM_001406871.1, NM_001406872.1); c.1507G>C, p.Asp503His (NM_001322015.2, NM_001406875.1, NM_001406877.1 and 5 more transcripts); and 13 more; short protein forms D349H, D295H, D419H, D448H, D451H, D494H, D503H, D570H.
Identifiers: ClinVar variation 4702003 (VCV004702003.1).